The following is an entry in ClinVar:

NM_001283009.2(RTEL1):c.1499T>G (p.Leu500Arg)

Genes: RTEL1 (regulator of telomere elongation helicase 1; plus strand), RTEL1-TNFRSF6B (RTEL1-TNFRSF6B readthrough (NMD candidate); plus strand). Cytogenetic location: 20q13.33.
Variant type: single nucleotide variant.
Coding change: c.1499T>G on transcript NM_001283009.2 (MANE Select); coding-DNA position 1499, T replaced by G.
Protein change: p.Leu500Arg; replaces leucine 500 with arginine.
Molecular consequence: missense variant. On other transcripts: non-coding transcript variant (1).
Genome position (GRCh38, 1-based): chr20:63,687,954, T>G. VCF-style: chr20-63687954-T-G. GRCh37 (hg19) VCF-style: chr20-62319307-T-G.
Other names: c.830T>G, p.Leu277Arg (NM_001283010.1); c.1499T>G, p.Leu500Arg (NM_016434.4); c.1571T>G, p.Leu524Arg (NM_032957.5); short protein forms L277R, L500R, L524R.
Identifiers: ClinVar variation 4157602 (VCV004157602.1).

ClinVar aggregate classification (germline): Uncertain significance (1 of 4 stars; one submission).

Conditions:
Inborn genetic diseases. Identifiers: MedGen C0950123, MeSH D030342.

Submission:

Ambry Genetics
Classification: Uncertain significance for Inborn genetic diseases. Last evaluated: 2025-07-14. Review status: criteria provided, single submitter. Criteria: Ambry Variant Classification Scheme 2023. Collection method: clinical testing. Allele origin: germline.
Comment: The p.L500R variant (also known as c.1499T>G), located in coding exon 17 of the RTEL1 gene, results from a T to G substitution at nucleotide position 1499. The leucine at codon 500 is replaced by arginine, an amino acid with dissimilar properties. This amino acid position is conserved. In addition, this alteration is predicted to be deleterious by in silico analysis. Based on the available evidence, the clinical significance of this variant remains unclear.